The following is an entry in ClinVar:

NM_000077.5(CDKN2A):c.277A>C (p.Thr93Pro)

Gene: CDKN2A (cyclin dependent kinase inhibitor 2A; minus strand). Cytogenetic location: 9p21.3.
Variant type: single nucleotide variant.
Coding change: c.277A>C on transcript NM_000077.5; coding-DNA position 277, A replaced by C.
Protein change: p.Thr93Pro; replaces threonine 93 with proline.
Molecular consequence: missense variant (on NM_000077.6). On other transcripts: 3 prime UTR variant (1).
Genome position (GRCh38, 1-based): chr9:21,971,082, T>G on the plus strand (A>C on the coding strand, the complement: CDKN2A is on the minus strand). VCF-style: chr9-21971082-T-G. GRCh37 (hg19) VCF-style: chr9-21971081-T-G.
Other names: c.277A>C, p.Thr93Pro (NM_000077.6, NM_001195132.2); c.124A>C, p.Thr42Pro (NM_001363763.2); c.320A>C, p.His107Pro (NM_058195.4); c.*200A>C (NM_058197.5); short protein forms T42P, H107P, T93P.
Identifiers: ClinVar variation 1795891 (VCV001795891.3), dbSNP rs2131094531, ClinGen allele CA373086166.
Genomic context (GRCh38, chr9:21,971,082, plus strand): 5'-GACGGCCCCAGGCATCGCGCACGTCCAGCCGCGCCCCGGCCCGGTGCAGCACCACCAGCG[T>G]GTCCAGGAAGCCCTCCCGGGCAGCGTCGTGCACGGGTCGGGTGAGAGTGGCGGGGTCGGC-3'
Protein context (NP_000068.1, residues 83-103): HDAAREGFLD[Thr93Pro]LVVLHRAGAR

ClinVar aggregate classification (germline): Uncertain significance (1 of 4 stars; one submission).

Conditions:
Hereditary cancer-predisposing syndrome. Also called: Hereditary neoplastic syndrome; Neoplastic Syndromes, Hereditary; Tumor predisposition; Hereditary Cancer Syndrome. Identifiers: Orphanet 140162, MedGen C0027672, MeSH D009386, MONDO:0015356.

Submission:

Ambry Genetics
Classification: Uncertain significance for Hereditary cancer-predisposing syndrome. Last evaluated: 2022-10-31. Review status: criteria provided, single submitter. Criteria: Ambry Variant Classification Scheme 2023. Collection method: clinical testing. Allele origin: germline.
Comment: The p.T93P variant (also known as c.277A>C), located in coding exon 2 of the CDKN2A gene, results from an A to C substitution at nucleotide position 277. The threonine at codon 93 is replaced by proline, an amino acid with highly similar properties. This amino acid position is highly conserved in available vertebrate species. In addition, the in silico prediction for this alteration is inconclusive. Since supporting evidence is limited at this time, the clinical significance of this alteration remains unclear.